The following is an entry in ClinVar:

NM_001130144.3(LTBP3):c.2230+5G>C

Genes: LTBP3 (latent transforming growth factor beta binding protein 3; minus strand), LOC130006030 (ATAC-STARR-seq lymphoblastoid silent region 3533; plus strand). Cytogenetic location: 11q13.1.
Variant type: single nucleotide variant.
Coding change: c.2230+5G>C on transcript NM_001130144.3 (MANE Select); 5 bases into the intron after coding-DNA position 2230, G replaced by C.
Molecular consequence: intron variant.
Genome position (GRCh38, 1-based): chr11:65,546,793, C>G on the plus strand (G>C on the coding strand, the complement: LTBP3 is on the minus strand). VCF-style: chr11-65546793-C-G. GRCh37 (hg19) VCF-style: chr11-65314264-C-G.
Other names: c.1879+5G>C (NM_001164266.1); c.2230+5G>C (NM_021070.4).
Identifiers: ClinVar variation 4530692 (VCV004530692.1).

ClinVar aggregate classification (germline): Likely pathogenic (1 of 4 stars; one submission).

Conditions:
Brachyolmia-amelogenesis imperfecta syndrome. Also called: PLATYSPONDYLY WITH AMELOGENESIS IMPERFECTA; Tooth agenesis, selective, 6; Dental anomalies and short stature. Identifiers: Orphanet 2899, MedGen C1832594, MONDO:0011018, OMIM 601216. Disease mechanism: loss of function.

gnomAD v4.1: 1 of 1,601,836 alleles (0.000062%); highest among the groups gnomAD compares: Non-Finnish European, 0.000085%; no homozygotes.

Submission:

Laboratorio de Biologia Molecular/Medicina Genomica - IFF/Fiocruz, Instituto Fernandes Figueira, Fundacao Oswaldo Cruz
Classification: Likely pathogenic for Brachyolmia-amelogenesis imperfecta syndrome. Last evaluated: 2025-09-01. Review status: criteria provided, single submitter. Criteria: ACMG Guidelines, 2015. Collection method: clinical testing. Allele origin: biparental. Affected: yes. Observed: 2 variant alleles.
Comment: Variant: c.2230+5G>C in intron 15 preceding exon 16 of the LTBP3 gene. Protein effect: Splice site variant located in a canonical splice donor region. In silico evidence: Predictive tools suggest a deleterious impact on splicing (spliceAI: 0,96). Population data: The variant (dbSNP: rs772952998) is extremely rare, with a frequency below 0.001% in gnomAD and absent from ABraOM. ACMG/AMP criteria applied: PM2_Supporting, PM3_Supporting, PP1_Strong, PP3.